The following is an entry in ClinVar:

NM_173076.3(ABCA12):c.5121_5124del (p.Asp1707fs)

Gene: ABCA12 (ATP binding cassette subfamily A member 12; minus strand). Cytogenetic location: 2q35.
Variant type: Microsatellite.
Coding change: c.5121_5124del on transcript NM_173076.3 (MANE Select); coding-DNA positions 5121 to 5124, 4 bases deleted (CAGA; older notation c.5121_5124delCAGA).
Protein change: p.Asp1707fs; shifts the reading frame from aspartic acid 1707.
Molecular consequence: frameshift variant. On other transcripts: non-coding transcript variant (1).
Genome position (GRCh38, 1-based): chr2:214,978,320-214,978,323, TCTG deleted on the plus strand (CAGA on the coding strand, the reverse complement: ABCA12 is on the minus strand); deleting any 4 consecutive bases within chr2:214,978,320-214,978,328 gives the same sequence; the c. name uses the placement nearest the transcript's 3' end. VCF-style (leftmost placement, unchanged base first): chr2-214978319-CTCTG-C. GRCh37 (hg19) VCF-style: chr2-215843043-CTCTG-C.
Other names: c.4167_4170del, p.Asp1389fs (NM_015657.4); c.5121_5124del (NM_173076.2); short protein forms D1389fs, D1707fs.
Identifiers: ClinVar variation 2910157 (VCV002910157.5), dbSNP rs1699567459, ClinGen allele CA1327160120.
Genomic context (GRCh38, chr2:214,978,319, plus strand): 5'-TTTTCTCATTTATGTCATCCATTGGAATTAAACAAAATATCCACATTAGATTCATACCAT[CTCTG>C]TCTGTGAAATTGCTGCTGCTCACAGATAAATCGTCAGGAGTTGAGATGCCATTGGCATTG-3'

ClinVar aggregate classification (germline): Pathogenic. Review status: criteria provided, multiple submitters, no conflicts (2 of 4 stars). 3 submissions from 3 submitters: Pathogenic (3). Last evaluated 2026-08-28.

Conditions:
Autosomal recessive congenital ichthyosis 4B (ARCI4B). Also called: ICHTHYOSIS CONGENITA, HARLEQUIN FETUS TYPE; HARLEQUIN ICHTHYOSIS; Harlequin Fetus; Ichthyosis, congenital, autosomal recessive 4B (harlequin). Identifiers: Orphanet 457, MedGen C0598226, MONDO:0009443, OMIM 242500.
Autosomal recessive congenital ichthyosis 4A (LI2). Also called: ICHTHYOSIS CONGENITA IIB. Identifiers: Orphanet 313, MedGen C1832550, MONDO:0011026, OMIM 601277.

Submissions (3):

Center of Reproductive Medicine, Zhuhai Center for Maternal and Child Health Care, South China University of Technology
Classification: Pathogenic for Autosomal recessive congenital ichthyosis 4B. Last evaluated: 2026-08-28. Review status: criteria provided, single submitter. Criteria: ACMG Guidelines, 2015. Collection method: provider interpretation. Allele origin: germline. Inheritance: Autosomal recessive inheritance. Affected: yes. Observed: 1 variant allele, 1 compound heterozygote.
Comment: The ABCA12 c.5121_5124del variant is a frameshift variant predicted to result in premature termination and loss of normal protein function. Loss-of-function variants in ABCA12 are an established disease mechanism for autosomal recessive congenital ichthyosis 4B (harlequin ichthyosis). This specific variant has previously been reported in a homozygous state in an affected infant with severe harlequin ichthyosis and perinatal death. Based on ACMG/AMP criteria PVS1, PM2, and PP4, this variant was classified as pathogenic.

Fulgent Genetics
Classification: Pathogenic for Autosomal recessive congenital ichthyosis 4B; Autosomal recessive congenital ichthyosis 4A. Last evaluated: 2024-04-02. Review status: criteria provided, single submitter. Criteria: ACMG Guidelines, 2015. Collection method: clinical testing. Allele origin: germline.

Labcorp Genetics (formerly Invitae), Labcorp
Classification: Pathogenic. Last evaluated: 2023-04-25. Review status: criteria provided, single submitter. Criteria: Invitae Variant Classification Sherloc (09022015). Collection method: clinical testing. Allele origin: germline.
Comment: For these reasons, this variant has been classified as Pathogenic. This premature translational stop signal has been observed in individual(s) with congenital ichthyosis and/or Harlequin ichthyosis (PMID: 30187851, 34908195). This variant is not present in population databases (gnomAD no frequency). This sequence change creates a premature translational stop signal (p.Asp1707Glufs*6) in the ABCA12 gene. It is expected to result in an absent or disrupted protein product. Loss-of-function variants in ABCA12 are known to be pathogenic (PMID: 20672373).

Literature cited by the submitters: PubMed 30187851 (cited by Center of Reproductive Medicine, Zhuhai Center for Maternal and Child Health Care, South China University of Technology and Labcorp Genetics (formerly Invitae), Labcorp); PubMed 15756637 (cited by Center of Reproductive Medicine, Zhuhai Center for Maternal and Child Health Care, South China University of Technology); PubMed 34908195 (cited by Labcorp Genetics (formerly Invitae), Labcorp); PubMed 20672373 (cited by Labcorp Genetics (formerly Invitae), Labcorp).